The following is an entry in ClinVar:

ClinVar aggregate classification (germline): Likely benign (1 of 4 stars; one submission).

gnomAD v4.1: 12 of 1,588,072 alleles (0.00076%); highest among the groups gnomAD compares: African/African-American, 0.0054%; no homozygotes.

Submission:

CeGaT Center for Human Genetics Tuebingen
Classification: Likely benign. Last evaluated: 2025-05-01. Review status: criteria provided, single submitter. Criteria: CeGaT Center For Human Genetics Tuebingen Variant Classification Criteria Version 2. Collection method: clinical testing. Allele origin: germline. Affected: yes. Observed: 1 variant allele.
Comment: KMT2B: BP4

NM_014727.3(KMT2B):c.1520C>T (p.Pro507Leu)

Gene: KMT2B (lysine methyltransferase 2B; plus strand). Cytogenetic location: 19q13.12.
Variant type: single nucleotide variant.
Coding change: c.1520C>T on transcript NM_014727.3 (MANE Select); coding-DNA position 1520, C replaced by T.
Protein change: p.Pro507Leu; replaces proline 507 with leucine.
Molecular consequence: missense variant.
Genome position (GRCh38, 1-based): chr19:35,720,867, C>T. VCF-style: chr19-35720867-C-T. GRCh37 (hg19) VCF-style: chr19-36211769-C-T.
Other names: short protein forms P507L.
Identifiers: ClinVar variation 3905097 (VCV003905097.10).
Genomic context (GRCh38, chr19:35,720,867, plus strand): 5'-CAGGGCCAGAGGGCACCTCTCCTCCCACTCCAACCCCCAGCACCGCCACGGGAGGCCCTC[C>T]GGAAGACAGTCCCACCGTGGCCCCCAAAAGCACCACCTTCCTGAAGAATATCCGGCAGTT-3'
Protein context (NP_055542.1, residues 497-517): PTPSTATGGP[Pro507Leu]EDSPTVAPKS